The following is an entry in ClinVar:

NM_001184880.2(PCDH19):c.1627C>T (p.Leu543=)

Gene: PCDH19 (protocadherin 19; minus strand). Cytogenetic location: Xq22.1.
Variant type: single nucleotide variant.
Coding change: c.1627C>T on transcript NM_001184880.2 (MANE Select); coding-DNA position 1627, C replaced by T.
Protein change: p.Leu543=; no amino-acid change (leucine 543 retained).
Molecular consequence: synonymous variant.
Genome position (GRCh38, 1-based): chrX:100,406,971, G>A on the plus strand (C>T on the coding strand, the complement: PCDH19 is on the minus strand). VCF-style: chrX-100406971-G-A. GRCh37 (hg19) VCF-style: chrX-99661969-G-A.
Other names: p.Leu543=; c.1627C>T, p.Leu543= (NM_001105243.2, NM_020766.3).
Identifiers: ClinVar variation 93671 (VCV000093671.43), dbSNP rs1953337, ClinGen allele CA147192.
Genomic context (GRCh38, chrX:100,406,971, plus strand): 5'-TGACCGGGGTGTTGTCGTTGACGTCGAGGATGATGACCCGCACCGTAGCGTTGCTTTGCA[G>A]TGAGGGAAGGCCGCCGTCCTTGGCCAGCACCTTGAATTCGAACGCCTTGGTCTGCTCGTG-3'
Protein context (NP_001171809.1, residues 533-553): VLAKDGGLPS[Leu543=]QSNATVRVII

ClinVar aggregate classification (germline): Benign. Review status: criteria provided, multiple submitters, no conflicts (2 of 4 stars). 15 submissions from 15 submitters: Benign (12). 3 of the submissions do not count toward it. Last evaluated 2026-02-04.

Conditions:
Inborn genetic diseases. Identifiers: MedGen C0950123, MeSH D030342.
Developmental and epileptic encephalopathy, 9 (DEE9). Also called: Early infantile epileptic encephalopathy 9; EPILEPSY, FEMALE-RESTRICTED, WITH MENTAL RETARDATION; JUBERG-HELLMAN SYNDROME; PCDH19-Related X-Linked Female-Limited Epilepsy with Mental Retardation. Identifiers: Orphanet 101039, Orphanet 2076, MedGen C1848137, MONDO:0010246, OMIM 300088. Disease mechanism: loss of function.

Allele frequency attached by ClinVar (database versions not stated): 1000 Genomes Project 0.08609; 1000 Genomes Project 30x 0.08928; TOPMed 0.17918; gnomAD 0.18803 and 0.19198; ESP Exome Variant Server 0.20129; ExAC 0.20672; gnomAD exomes 0.20946 and 0.26353.
gnomAD v4.1: 308,398 of 1,209,634 alleles (25%); highest among the groups gnomAD compares: Non-Finnish European, 29%; 30,302 homozygotes.

Submissions (15):

Labcorp Genetics (formerly Invitae), Labcorp
Classification: Benign for Developmental and epileptic encephalopathy, 9. Last evaluated: 2026-02-04. Review status: criteria provided, single submitter. Criteria: Invitae Variant Classification Sherloc (09022015). Collection method: clinical testing. Allele origin: germline.

ARUP Laboratories, Molecular Genetics and Genomics, ARUP Laboratories
Classification: Benign for Developmental and epileptic encephalopathy, 9. Last evaluated: 2025-07-01. Review status: criteria provided, single submitter. Criteria: ARUP Molecular Germline Variant Investigation Process 2024. Collection method: clinical testing. Allele origin: germline.

Blueprint Genetics
Classification: Benign. Last evaluated: 2024-11-28. Review status: criteria provided, single submitter. Criteria: ACMG Guidelines, 2015. Collection method: clinical testing. Allele origin: germline.

Unidad de Genómica Garrahan, Hospital de Pediatría Garrahan
Classification: Benign. Last evaluated: 2024-07-15. Review status: criteria provided, single submitter. Criteria: ACMG Guidelines, 2015. Collection method: clinical testing. Allele origin: germline. Affected: no. Observed: 28 variant alleles.
Comment: This variant is classified as Benign based on local population frequency. This variant was detected in 30% of patients studied in a panel designed for Epileptic and Developmental Encephalopathy and Progressive Myoclonus Epilepsy. Number of patients: 28. Only high quality variants are reported.

Fulgent Genetics
Classification: Benign for Developmental and epileptic encephalopathy, 9. Last evaluated: 2021-12-23. Review status: criteria provided, single submitter. Criteria: ACMG Guidelines, 2015. Collection method: clinical testing. Allele origin: unknown.

Mayo Clinic Laboratories, Mayo Clinic
Classification: Benign. Last evaluated: 2018-04-02. Review status: criteria provided, single submitter. Criteria: ACMG Guidelines, 2015. Collection method: clinical testing. Allele origin: germline. Observed: 152 variant alleles.

Ambry Genetics
Classification: Benign for Inborn genetic diseases. Last evaluated: 2016-03-02. Review status: criteria provided, single submitter. Criteria: Ambry Variant Classification Scheme 2023. Collection method: clinical testing. Allele origin: germline.

GeneDx
Classification: Benign. Last evaluated: 2015-03-03. Review status: criteria provided, single submitter. Criteria: GeneDx Variant Classification Process June 2021. Collection method: clinical testing. Allele origin: germline. Affected: yes.

Eurofins Ntd Llc (ga)
Classification: Benign. Last evaluated: 2014-01-08. Review status: criteria provided, single submitter. Criteria: EGL Classification Definitions 2015. Collection method: clinical testing. Allele origin: germline. Observed: 8 variant alleles, 4 heterozygotes, 1 homozygote, 3 hemizygotes.

Genetic Services Laboratory, University of Chicago
Classification: Benign. Last evaluated: 2013-02-08. Review status: criteria provided, single submitter. Criteria: ACMG Guidelines, 2007. Collection method: clinical testing. Allele origin: germline. Inheritance: X-linked inheritance.

Breakthrough Genomics
Classification: Benign. Review status: criteria provided, single submitter. Criteria: ACMG Guidelines, 2015. Collection method: not provided. Allele origin: germline. Inheritance: X-linked inheritance. Affected: yes.

PreventionGenetics, part of Exact Sciences
Classification: Benign. Review status: criteria provided, single submitter. Criteria: ACMG Guidelines, 2015. Collection method: clinical testing. Allele origin: germline.

Diagnostic Laboratory, Department of Genetics, University Medical Center Groningen
Classification: Benign for Developmental and epileptic encephalopathy, 9. Review status: no assertion criteria provided. Collection method: clinical testing. Allele origin: germline. Affected: yes. Study: VKGL Data-share Consensus. Not counted in ClinVar's aggregate classification.

Genome Diagnostics Laboratory, University Medical Center Utrecht
Classification: Benign. Review status: no assertion criteria provided. Collection method: clinical testing. Allele origin: germline. Affected: yes. Study: VKGL Data-share Consensus. Not counted in ClinVar's aggregate classification.

Joint Genome Diagnostic Labs from Nijmegen and Maastricht, Radboudumc and MUMC+
Classification: Benign. Review status: no assertion criteria provided. Collection method: clinical testing. Allele origin: germline. Affected: yes. Study: VKGL Data-share Consensus. Not counted in ClinVar's aggregate classification.